The following is an entry in ClinVar:

NM_004593.3(TRA2B):c.451T>C (p.Tyr151His)

Gene: TRA2B (transformer 2 beta homolog; minus strand). Cytogenetic location: 3q27.2.
Variant type: single nucleotide variant.
Coding change: c.451T>C on transcript NM_004593.3 (MANE Select); coding-DNA position 451, T replaced by C.
Protein change: p.Tyr151His; replaces tyrosine 151 with histidine.
Molecular consequence: missense variant.
Genome position (GRCh38, 1-based): chr3:185,923,867, A>G on the plus strand (T>C on the coding strand, the complement: TRA2B is on the minus strand). VCF-style: chr3-185923867-A-G. GRCh37 (hg19) VCF-style: chr3-185641655-A-G.
Other names: c.151T>C, p.Tyr51His (NM_001243879.2); short protein forms Y151H, Y51H.
Identifiers: ClinVar variation 3774643 (VCV003774643.1).

ClinVar aggregate classification (germline): Uncertain significance (1 of 4 stars; one submission).

Submission:

GeneDx
Classification: Uncertain significance. Last evaluated: 2024-09-18. Review status: criteria provided, single submitter. Criteria: GeneDx Variant Classification Process June 2021. Collection method: clinical testing. Allele origin: germline. Affected: yes.
Comment: Not observed at significant frequency in large population cohorts (gnomAD); In silico analysis supports that this missense variant has a deleterious effect on protein structure/function; Has not been previously published as pathogenic or benign to our knowledge